The following is an entry in ClinVar:

ClinVar aggregate classification (germline): Uncertain significance (1 of 4 stars; one submission).

Allele frequency attached by ClinVar (database versions not stated): gnomAD exomes below 0.00001; TOPMed below 0.00001; ExAC 0.00001; gnomAD 0.00001.

Submission:

Labcorp Genetics (formerly Invitae), Labcorp
Classification: Uncertain significance. Last evaluated: 2022-07-06. Review status: criteria provided, single submitter. Criteria: Invitae Variant Classification Sherloc (09022015). Collection method: clinical testing. Allele origin: germline.
Comment: In summary, the available evidence is currently insufficient to determine the role of this variant in disease. Therefore, it has been classified as a Variant of Uncertain Significance. Algorithms developed to predict the effect of sequence changes on RNA splicing suggest that this variant may create or strengthen a splice site. Algorithms developed to predict the effect of missense changes on protein structure and function output the following: SIFT: "Tolerated"; PolyPhen-2: "Possibly Damaging"; Align-GVGD: "Class C0". The glutamine amino acid residue is found in multiple mammalian species, which suggests that this missense change does not adversely affect protein function. This variant has not been reported in the literature in individuals affected with HSPG2-related conditions. This variant is present in population databases (rs763073308, gnomAD 0.006%). This sequence change replaces arginine, which is basic and polar, with glutamine, which is neutral and polar, at codon 2204 of the HSPG2 protein (p.Arg2204Gln).

NM_005529.7(HSPG2):c.6611G>A (p.Arg2204Gln)

Genes: HSPG2 (heparan sulfate proteoglycan 2; minus strand), LOC126805655 (CDK7 strongly-dependent group 2 enhancer GRCh37_chr1:22178409-22179608; plus strand). Cytogenetic location: 1p36.12.
Variant type: single nucleotide variant.
Coding change: c.6611G>A on transcript NM_005529.7 (MANE Select); coding-DNA position 6611, G replaced by A.
Protein change: p.Arg2204Gln; replaces arginine 2204 with glutamine.
Molecular consequence: missense variant.
Genome position (GRCh38, 1-based): chr1:21,852,813, C>T on the plus strand (G>A on the coding strand, the complement: HSPG2 is on the minus strand). VCF-style: chr1-21852813-C-T. GRCh37 (hg19) VCF-style: chr1-22179306-C-T.
Other names: c.6614G>A, p.Arg2205Gln (NM_001291860.2); short protein forms R2205Q, R2204Q.
Identifiers: ClinVar variation 1903285 (VCV001903285.5), dbSNP rs763073308, ClinGen allele CA671474.